The following is an entry in ClinVar:

NM_001040151.2(SCN3B):c.82G>C (p.Glu28Gln)

Gene: SCN3B (sodium voltage-gated channel beta subunit 3; minus strand). Cytogenetic location: 11q24.1.
Variant type: single nucleotide variant.
Coding change: c.82G>C on transcript NM_001040151.2 (MANE Select); coding-DNA position 82, G replaced by C.
Protein change: p.Glu28Gln; replaces glutamic acid 28 with glutamine.
Molecular consequence: missense variant.
Genome position (GRCh38, 1-based): chr11:123,645,724, C>G on the plus strand (G>C on the coding strand, the complement: SCN3B is on the minus strand). VCF-style: chr11-123645724-C-G. GRCh37 (hg19) VCF-style: chr11-123516432-C-G.
Other names: c.82G>C, p.Glu28Gln (NM_018400.4); short protein forms E28Q.
Identifiers: ClinVar variation 3722116 (VCV003722116.2).

ClinVar aggregate classification (germline): Uncertain significance (1 of 4 stars; one submission).

Conditions:
Brugada syndrome 7 (BRGDA7). Identifiers: Orphanet 130, MedGen C2751088, MONDO:0013146, OMIM 613120.

gnomAD v4.1: 4 of 1,614,062 alleles (0.00025%); highest among the groups gnomAD compares: Non-Finnish European, 0.00034%; no homozygotes.

Submission:

Labcorp Genetics (formerly Invitae), Labcorp
Classification: Uncertain significance for Brugada syndrome 7. Last evaluated: 2024-09-16. Review status: criteria provided, single submitter. Criteria: Invitae Variant Classification Sherloc (09022015). Collection method: clinical testing. Allele origin: germline.
Comment: This sequence change replaces glutamic acid, which is acidic and polar, with glutamine, which is neutral and polar, at codon 28 of the SCN3B protein (p.Glu28Gln). This variant is not present in population databases (gnomAD no frequency). This variant has not been reported in the literature in individuals affected with SCN3B-related conditions. An algorithm developed to predict the effect of missense changes on protein structure and function (PolyPhen-2) suggests that this variant is likely to be disruptive. In summary, the available evidence is currently insufficient to determine the role of this variant in disease. Therefore, it has been classified as a Variant of Uncertain Significance.